The following is an entry in ClinVar:

ClinVar aggregate classification (germline): Conflicting classifications of pathogenicity. Review status: criteria provided, conflicting classifications (1 of 4 stars). 2 submissions from 2 submitters: Uncertain significance (1); Benign (1). Last evaluated 2026-03-07.

Conditions:
Oto-palato-digital syndrome, type II (OPD2). Also called: FACIOPALATOOSSEOUS SYNDROME; OPD II SYNDROME; Otopalatodigital Syndrome, Type II; Otopalatodigital Syndrome Type 2 (FLNA-OPD2). Identifiers: Orphanet 669, Orphanet 90652, MedGen C1844696, MONDO:0010571, OMIM 304120.
Frontometaphyseal dysplasia (FMD1). Identifiers: Orphanet 1826, MedGen C0265293, MONDO:0015942.
Melnick-Needles syndrome (MNS). Also called: MELNICK-NEEDLES OSTEODYSPLASTY; OSTEODYSPLASTY OF MELNICK AND NEEDLES; Melnick-Needles Syndrome (FLNA-MNS). Identifiers: Orphanet 2484, MedGen C0025237, MONDO:0010650, OMIM 309350.
Heterotopia, periventricular, X-linked dominant (PVNH1). Also called: PERIVENTRICULAR NODULAR HETEROTOPIA 1; PERIVENTRICULAR NODULAR HETEROTOPIA 4; HETEROTOPIA, PERIVENTRICULAR, 1; X-linked periventricular heterotopia. Identifiers: Orphanet 2149, Orphanet 82004, MedGen C1848213, MONDO:0010233, OMIM 300049.
Familial thoracic aortic aneurysm and aortic dissection (TAAD). Also called: Thoracic aortic aneurysms and dissections. Identifiers: Orphanet 91387, MedGen C4707243, MONDO:0019625.

Allele frequency attached by ClinVar (database versions not stated): gnomAD 0.00006; TOPMed 0.00006; gnomAD exomes below 0.00001.
gnomAD v4.1: 9 of 1,208,876 alleles (0.00074%); highest among the groups gnomAD compares: African/African-American, 0.01%; no homozygotes.

Submissions (2):

Ambry Genetics
Classification: Uncertain significance for Familial thoracic aortic aneurysm and aortic dissection. Last evaluated: 2026-03-07. Review status: criteria provided, single submitter. Criteria: Ambry Variant Classification Scheme 2023. Collection method: clinical testing. Allele origin: germline.
Comment: The p.D439N variant (also known as c.1315G>A), located in coding exon 8 of the FLNA gene, results from a G to A substitution at nucleotide position 1315. The aspartic acid at codon 439 is replaced by asparagine, an amino acid with highly similar properties. This amino acid position is conserved. In addition, this alteration is predicted to be tolerated by in silico analysis. Based on the available evidence, the clinical significance of this variant remains unclear.

Labcorp Genetics (formerly Invitae), Labcorp
Classification: Benign for Oto-palato-digital syndrome, type II; Heterotopia, periventricular, X-linked dominant; Frontometaphyseal dysplasia; Melnick-Needles syndrome. Last evaluated: 2025-12-03. Review status: criteria provided, single submitter. Criteria: Invitae Variant Classification Sherloc (09022015). Collection method: clinical testing. Allele origin: germline.

NM_001110556.2(FLNA):c.1315G>A (p.Asp439Asn)

Gene: FLNA (filamin A; minus strand). Cytogenetic location: Xq28.
Variant type: single nucleotide variant.
Coding change: c.1315G>A on transcript NM_001110556.2 (MANE Select); coding-DNA position 1315, G replaced by A.
Protein change: p.Asp439Asn; replaces aspartic acid 439 with asparagine.
Molecular consequence: missense variant.
Genome position (GRCh38, 1-based): chrX:154,366,138, C>T on the plus strand (G>A on the coding strand, the complement: FLNA is on the minus strand). VCF-style: chrX-154366138-C-T. GRCh37 (hg19) VCF-style: chrX-153594506-C-T.
Other names: c.1315G>A (NM_001456.3); c.1315G>A, p.Asp439Asn (NM_001456.4); short protein forms D439N.
Identifiers: ClinVar variation 2073919 (VCV002073919.5), dbSNP rs963606772, ClinGen allele CA337283519.